The following is an entry in ClinVar:

NM_004247.4(EFTUD2):c.1648G>A (p.Val550Ile)

Gene: EFTUD2 (elongation factor Tu GTP binding domain containing 2; minus strand). Cytogenetic location: 17q21.31.
Variant type: single nucleotide variant.
Coding change: c.1648G>A on transcript NM_004247.4 (MANE Select); coding-DNA position 1648, G replaced by A.
Protein change: p.Val550Ile; replaces valine 550 with isoleucine.
Molecular consequence: missense variant.
Genome position (GRCh38, 1-based): chr17:44,860,503, C>T on the plus strand (G>A on the coding strand, the complement: EFTUD2 is on the minus strand). VCF-style: chr17-44860503-C-T. GRCh37 (hg19) VCF-style: chr17-42937871-C-T.
Other names: c.1543G>A, p.Val515Ile (NM_001142605.2); c.1648G>A, p.Val550Ile (NM_001258353.2); c.1618G>A, p.Val540Ile (NM_001258354.2); short protein forms V550I, V515I, V540I.
Identifiers: ClinVar variation 430225 (VCV000430225.2), dbSNP rs1131691840, ClinGen allele CA399812420.

ClinVar aggregate classification (germline): Uncertain significance (1 of 4 stars; one submission).

gnomAD v4.1: 1 of 1,614,058 alleles (0.000062%); highest among the groups gnomAD compares: African/African-American, 0.0013%; no homozygotes.

Submission:

GeneDx
Classification: Uncertain significance. Last evaluated: 2017-05-10. Review status: criteria provided, single submitter. Criteria: GeneDx Variant Classification (06012015). Collection method: clinical testing. Allele origin: germline. Affected: yes.
Comment: The V550I variant has not been published as a pathogenic variant, nor has it been reported as a benign variant to our knowledge. This variant is not observed in large population cohorts (Lek et al., 2016; 1000 Genomes Consortium et al., 2015; Exome Variant Server). The V550I variant is a conservative amino acid substitution that occurs at a position that is conserved across species. In silico analysis is inconsistent in its predictions as to whether or not the variant is damaging to the protein structure/function. Therefore, based on the currently available information, it is unclear whether this variant is a pathogenic variant or a rare benign variant.